The following is an entry in ClinVar:

ClinVar aggregate classification (germline): Conflicting classifications of pathogenicity. Review status: criteria provided, conflicting classifications (1 of 4 stars). 2 submissions from 2 submitters: Uncertain significance (1); Likely benign (1). Last evaluated 2026-04-03.

Conditions:
Familial cancer of breast. Also called: hereditary breast carcinoma; Hereditary breast cancer; BREAST CANCER, FAMILIAL. Identifiers: Orphanet 227535, MedGen C0346153, MONDO:0016419, OMIM 114480. Disease mechanism: loss of function.
Hereditary cancer-predisposing syndrome. Also called: Tumor predisposition; Hereditary Cancer Syndrome; Neoplastic Syndromes, Hereditary; Hereditary neoplastic syndrome. Identifiers: Orphanet 140162, MedGen C0027672, MeSH D009386, MONDO:0015356.

Submissions (2):

Ambry Genetics
Classification: Likely benign for Hereditary cancer-predisposing syndrome. Last evaluated: 2026-04-03. Review status: criteria provided, single submitter. Criteria: Ambry Variant Classification Scheme 2023. Collection method: clinical testing. Allele origin: germline.

Labcorp Genetics (formerly Invitae), Labcorp
Classification: Uncertain significance for Familial cancer of breast. Last evaluated: 2020-08-17. Review status: criteria provided, single submitter. Criteria: Invitae Variant Classification Sherloc (09022015). Collection method: clinical testing. Allele origin: germline.
Comment: In summary, the available evidence is currently insufficient to determine the role of this variant in disease. Therefore, it has been classified as a Variant of Uncertain Significance. Algorithms developed to predict the effect of missense changes on protein structure and function output the following: SIFT: "Tolerated"; PolyPhen-2: "Benign"; Align-GVGD: "Class C0". The glycine amino acid residue is found in multiple mammalian species, suggesting that this missense change does not adversely affect protein function. These predictions have not been confirmed by published functional studies and their clinical significance is uncertain. This variant has not been reported in the literature in individuals with PALB2-related disease. This variant is not present in population databases (ExAC no frequency). This sequence change replaces glutamic acid with glycine at codon 669 of the PALB2 protein (p.Glu669Gly). The glutamic acid residue is moderately conserved and there is a moderate physicochemical difference between glutamic acid and glycine.

NM_024675.4(PALB2):c.2006A>G (p.Glu669Gly)

Gene: PALB2 (partner and localizer of BRCA2; minus strand). Cytogenetic location: 16p12.2.
Variant type: single nucleotide variant.
Coding change: c.2006A>G on transcript NM_024675.4 (MANE Select); coding-DNA position 2006, A replaced by G.
Protein change: p.Glu669Gly; replaces glutamic acid 669 with glycine.
Molecular consequence: missense variant.
Genome position (GRCh38, 1-based): chr16:23,630,148, T>C on the plus strand (A>G on the coding strand, the complement: PALB2 is on the minus strand). VCF-style: chr16-23630148-T-C. GRCh37 (hg19) VCF-style: chr16-23641469-T-C.
Other names: short protein forms E669G.
Identifiers: ClinVar variation 578598 (VCV000578598.15), dbSNP rs1567218281, ClinGen allele CA395127134.
Genomic context (GRCh38, chr16:23,630,148, plus strand): 5'-GAGTTTGGCCTTTTGGGATGTGATTTTCCTGGTAGAACAATAAGGTCCTCTTCTAAGTCC[T>C]CCATTTCTGTATCCATGCGTTTAGGACTCAGTTCCTCTGGAAAAATACAGCTTCCCTCTT-3'
Protein context (NP_078951.2, residues 659-679): LSPKRMDTEM[Glu669Gly]DLEEDLIVLP